The following is an entry in ClinVar:

ClinVar aggregate classification (germline): Uncertain significance. Review status: criteria provided, multiple submitters, no conflicts (2 of 4 stars). 2 submissions from 2 submitters: Uncertain significance (2). Last evaluated 2026-04-08.

Allele frequency attached by ClinVar (database versions not stated): ExAC 0.00001; gnomAD exomes 0.00001.
gnomAD v4.1: 12 of 1,614,168 alleles (0.00074%); highest among the groups gnomAD compares: East Asian, 0.013%; no homozygotes.

Submissions (2):

GeneDx
Classification: Uncertain significance. Last evaluated: 2026-04-08. Review status: criteria provided, single submitter. Criteria: GeneDx Variant Classification Process June 2021. Collection method: clinical testing. Allele origin: germline.
Comment: In silico analysis suggests that this missense variant does not alter protein structure/function; Has not been previously published as pathogenic or benign to our knowledge; Occurs in the triple helical domain at the Y position in the canonical Gly-X-Y repeat; although this variant may have an effect on normal protein folding and function, missense substitution at the Y position is not a common mechanism of disease

Labcorp Genetics (formerly Invitae), Labcorp
Classification: Uncertain significance. Last evaluated: 2026-01-27. Review status: criteria provided, single submitter. Criteria: Invitae Variant Classification Sherloc (09022015). Collection method: clinical testing. Allele origin: germline.
Comment: This sequence change replaces threonine, which is neutral and polar, with methionine, which is neutral and non-polar, at codon 854 of the COL4A1 protein (p.Thr854Met). This variant is present in population databases (rs753493941, gnomAD 0.01%). This variant has not been reported in the literature in individuals affected with COL4A1-related conditions. ClinVar contains an entry for this variant (Variation ID: 2715301). Invitae Evidence Modeling of protein sequence and biophysical properties (such as structural, functional, and spatial information, amino acid conservation, physicochemical variation, residue mobility, and thermodynamic stability) has been performed for this missense variant. However, the output from this modeling did not meet the statistical confidence thresholds required to predict the impact of this variant on COL4A1 protein function. In summary, the available evidence is currently insufficient to determine the role of this variant in disease. Therefore, it has been classified as a Variant of Uncertain Significance.

NM_001845.6(COL4A1):c.2561C>T (p.Thr854Met)

Gene: COL4A1 (collagen type IV alpha 1 chain; minus strand). Cytogenetic location: 13q34.
Variant type: single nucleotide variant.
Coding change: c.2561C>T on transcript NM_001845.6 (MANE Select); coding-DNA position 2561, C replaced by T.
Protein change: p.Thr854Met; replaces threonine 854 with methionine.
Molecular consequence: missense variant.
Genome position (GRCh38, 1-based): chr13:110,178,129, G>A on the plus strand (C>T on the coding strand, the complement: COL4A1 is on the minus strand). VCF-style: chr13-110178129-G-A. GRCh37 (hg19) VCF-style: chr13-110830476-G-A.
Other names: c.2561C>T (NM_001845.4); short protein forms T854M.
Identifiers: ClinVar variation 2715301 (VCV002715301.4), dbSNP rs753493941, ClinGen allele CA7047554.